The following is an entry in ClinVar:

NM_020745.4(AARS2):c.2132G>A (p.Arg711His)

Gene: AARS2 (alanyl-tRNA synthetase 2, mitochondrial; minus strand). Cytogenetic location: 6p21.1.
Variant type: single nucleotide variant.
Coding change: c.2132G>A on transcript NM_020745.4 (MANE Select); coding-DNA position 2132, G replaced by A.
Protein change: p.Arg711His; replaces arginine 711 with histidine.
Molecular consequence: missense variant.
Genome position (GRCh38, 1-based): chr6:44,303,299, C>T on the plus strand (G>A on the coding strand, the complement: AARS2 is on the minus strand). VCF-style: chr6-44303299-C-T. GRCh37 (hg19) VCF-style: chr6-44271036-C-T.
Other names: c.2132G>A (NM_020745.2); short protein forms R711H.
Identifiers: ClinVar variation 357063 (VCV000357063.8), dbSNP rs752743037, ClinGen allele CA3834100.

ClinVar aggregate classification (germline): Uncertain significance. Review status: criteria provided, multiple submitters, no conflicts (2 of 4 stars). 4 submissions from 4 submitters: Uncertain significance (4). Last evaluated 2025-08-11.

Conditions:
Combined oxidative phosphorylation defect type 8. Also called: CARDIOMYOPATHY, HYPERTROPHIC MITOCHONDRIAL, FATAL INFANTILE. Identifiers: Orphanet 319504, MedGen C4518839, MONDO:0013570, OMIM 614096.
Inborn genetic diseases. Identifiers: MedGen C0950123, MeSH D030342.

Allele frequency attached by ClinVar (database versions not stated): gnomAD 0.00003; TOPMed 0.00004; gnomAD exomes 0.00005 and 0.00015; ExAC 0.00010.
gnomAD v4.1: 79 of 1,614,014 alleles (0.0049%); highest among the groups gnomAD compares: Admixed American, 0.047%; 1 homozygote.

Submissions (4):

Ambry Genetics
Classification: Uncertain significance for Inborn genetic diseases. Last evaluated: 2025-08-11. Review status: criteria provided, single submitter. Criteria: Ambry Variant Classification Scheme 2023. Collection method: clinical testing. Allele origin: germline.

Blueprint Genetics
Classification: Uncertain significance. Last evaluated: 2023-09-06. Review status: criteria provided, single submitter. Criteria: ACMG Guidelines, 2015. Collection method: clinical testing. Allele origin: germline.

Labcorp Genetics (formerly Invitae), Labcorp
Classification: Uncertain significance. Last evaluated: 2022-08-20. Review status: criteria provided, single submitter. Criteria: Invitae Variant Classification Sherloc (09022015). Collection method: clinical testing. Allele origin: germline.
Comment: This sequence change replaces arginine, which is basic and polar, with histidine, which is basic and polar, at codon 711 of the AARS2 protein (p.Arg711His). This variant is present in population databases (rs752743037, gnomAD 0.07%). This variant has not been reported in the literature in individuals affected with AARS2-related conditions. ClinVar contains an entry for this variant (Variation ID: 357063). Algorithms developed to predict the effect of missense changes on protein structure and function (SIFT, PolyPhen-2, Align-GVGD) all suggest that this variant is likely to be disruptive. In summary, the available evidence is currently insufficient to determine the role of this variant in disease. Therefore, it has been classified as a Variant of Uncertain Significance.

Illumina Laboratory Services, Illumina
Classification: Uncertain significance for Combined oxidative phosphorylation defect type 8. Last evaluated: 2018-01-12. Review status: criteria provided, single submitter. Criteria: ICSL Variant Classification Criteria 13 December 2019. Collection method: clinical testing. Allele origin: germline.